The following is an entry in ClinVar:

ClinVar aggregate classification (germline): Uncertain significance (1 of 4 stars; one submission).

Conditions:
Cardiovascular phenotype. Identifiers: MedGen CN230736.

Submission:

Ambry Genetics
Classification: Uncertain significance for Cardiovascular phenotype. Last evaluated: 2019-08-15. Review status: criteria provided, single submitter. Criteria: Ambry Variant Classification Scheme 2023. Collection method: clinical testing. Allele origin: germline.
Comment: The p.S2703C variant (also known as c.8108C>G), located in coding exon 33 of the TTN gene, results from a C to G substitution at nucleotide position 8108. The serine at codon 2703 is replaced by cysteine, an amino acid with dissimilar properties. This amino acid position is not well conserved in available vertebrate species. In addition, this alteration is predicted to be tolerated by in silico analysis. Since supporting evidence is limited at this time, the clinical significance of this alteration remains unclear.

NM_001267550.2(TTN):c.8246C>G (p.Ser2749Cys)

Gene: TTN (titin; minus strand). Cytogenetic location: 2q31.2.
Variant type: single nucleotide variant.
Coding change: c.8246C>G on transcript NM_001267550.2 (MANE Select); coding-DNA position 8246, C replaced by G.
Protein change: p.Ser2749Cys; replaces serine 2749 with cysteine.
Molecular consequence: missense variant.
Genome position (GRCh38, 1-based): chr2:178,770,546, G>C on the plus strand (C>G on the coding strand, the complement: TTN is on the minus strand). VCF-style: chr2-178770546-G-C. GRCh37 (hg19) VCF-style: chr2-179635273-G-C.
Other names: c.8246C>G, p.Ser2749Cys (NM_001256850.1, NM_133378.4, NM_133379.5); c.8108C>G, p.Ser2703Cys (NM_003319.4, NM_133432.3, NM_133437.4); short protein forms S2703C, S2749C.
Identifiers: ClinVar variation 1762019 (VCV001762019.2), dbSNP rs2532505029, ClinGen allele CA349677815.